The following is an entry in ClinVar:

NM_001164508.2(NEB):c.18656T>G (p.Val6219Gly)

Gene: NEB (nebulin; minus strand). Cytogenetic location: 2q23.3.
Variant type: single nucleotide variant.
Coding change: c.18656T>G on transcript NM_001164508.2 (MANE Select); coding-DNA position 18656, T replaced by G.
Protein change: p.Val6219Gly; replaces valine 6219 with glycine.
Molecular consequence: missense variant.
Genome position (GRCh38, 1-based): chr2:151,563,643, A>C on the plus strand (T>G on the coding strand, the complement: NEB is on the minus strand). VCF-style: chr2-151563643-A-C. GRCh37 (hg19) VCF-style: chr2-152420157-A-C.
Other names: c.18656T>G, p.Val6219Gly (NM_001164507.2, NM_001271208.2); c.13553T>G, p.Val4518Gly (NM_004543.5); short protein forms V6219G, V4518G.
Identifiers: ClinVar variation 948075 (VCV000948075.11), dbSNP rs753261774, ClinGen allele CA1907895.

ClinVar aggregate classification (germline): Uncertain significance. Review status: criteria provided, multiple submitters, no conflicts (2 of 4 stars). 3 submissions from 3 submitters: Uncertain significance (2). 1 of the submissions does not count toward it. Last evaluated 2024-10-08.

Conditions:
Nemaline myopathy 2 (NEM2). Also called: Nemaline myopathy 2, autosomal recessive. Identifiers: MedGen C1850569, MONDO:0009725, OMIM 256030.

Allele frequency attached by ClinVar (database versions not stated): gnomAD exomes 0.00001 and below 0.00001; TOPMed 0.00001; ExAC 0.00001.
gnomAD v4.1: 18 of 1,613,846 alleles (0.0011%); highest among the groups gnomAD compares: Non-Finnish European, 0.0015%; no homozygotes.

Submissions (3):

GeneDx
Classification: Uncertain significance. Last evaluated: 2024-10-08. Review status: criteria provided, single submitter. Criteria: GeneDx Variant Classification Process June 2021. Collection method: clinical testing. Allele origin: germline. Affected: yes.
Comment: Not observed at significant frequency in large population cohorts (gnomAD); In silico analysis supports that this missense variant has a deleterious effect on protein structure/function; Has not been previously published as pathogenic or benign to our knowledge

Labcorp Genetics (formerly Invitae), Labcorp
Classification: Uncertain significance for Nemaline myopathy 2. Last evaluated: 2021-08-27. Review status: criteria provided, single submitter. Criteria: Invitae Variant Classification Sherloc (09022015). Collection method: clinical testing. Allele origin: germline.
Comment: This sequence change replaces valine with glycine at codon 6219 of the NEB protein (p.Val6219Gly). The valine residue is moderately conserved and there is a moderate physicochemical difference between valine and glycine. This variant is present in population databases (rs753261774, ExAC 0.001%). This variant has not been reported in the literature in individuals affected with NEB-related conditions. Algorithms developed to predict the effect of missense changes on protein structure and function are either unavailable or do not agree on the potential impact of this missense change (SIFT: "Deleterious"; PolyPhen-2: "Not Available"; Align-GVGD: "Class C0"). In summary, the available evidence is currently insufficient to determine the role of this variant in disease. Therefore, it has been classified as a Variant of Uncertain Significance.

Natera, Inc.
Classification: Uncertain significance for Nemaline myopathy type 2. Last evaluated: 2020-02-13. Review status: no assertion criteria provided. Collection method: clinical testing. Allele origin: germline. Not counted in ClinVar's aggregate classification.